The following is an entry in ClinVar:

NM_001113378.2(FANCI):c.3389T>A (p.Val1130Asp)

Gene: FANCI (FA complementation group I; plus strand). Cytogenetic location: 15q26.1.
Variant type: single nucleotide variant.
Coding change: c.3389T>A on transcript NM_001113378.2 (MANE Select); coding-DNA position 3389, T replaced by A.
Protein change: p.Val1130Asp; replaces valine 1130 with aspartic acid.
Molecular consequence: missense variant.
Genome position (GRCh38, 1-based): chr15:89,306,046, T>A. VCF-style: chr15-89306046-T-A. GRCh37 (hg19) VCF-style: chr15-89849277-T-A.
Other names: c.3110T>A, p.Val1037Asp (NM_001376910.1); c.3389T>A, p.Val1130Asp (NM_001376911.1); c.3209T>A, p.Val1070Asp (NM_018193.3); short protein forms V1130D, V1070D, V1037D.
Identifiers: ClinVar variation 238324 (VCV000238324.6), dbSNP rs764412863, ClinGen allele CA7723709.
Genomic context (GRCh38, chr15:89,306,046, plus strand): 5'-GCCAATTTTATTTCCCTTTAGAAGAGGCCTCTTCTCAGGCAACCCTACCAAATCAGCCTG[T>A]TGAGAAAGCTATCATCATGCAACTGGGAACTCTGCTTACATTTTTCCACGAGCTGGTGCA-3'
Protein context (NP_001106849.1, residues 1120-1140): SSQATLPNQP[Val1130Asp]EKAIIMQLGT

ClinVar aggregate classification (germline): Uncertain significance (1 of 4 stars; one submission).

Conditions:
Fanconi anemia (FA). Also called: Fanconi's anemia. Identifiers: Orphanet 84, MedGen C0015625, MeSH D005199, MONDO:0019391.

Allele frequency attached by ClinVar (database versions not stated): gnomAD exomes below 0.00001; ExAC 0.00001; TOPMed 0.00001.
gnomAD v4.1: 5 of 1,614,218 alleles (0.00031%); highest among the groups gnomAD compares: East Asian, 0.0022%; no homozygotes.

Submission:

Labcorp Genetics (formerly Invitae), Labcorp
Classification: Uncertain significance for Fanconi anemia. Last evaluated: 2022-09-19. Review status: criteria provided, single submitter. Criteria: Invitae Variant Classification Sherloc (09022015). Collection method: clinical testing. Allele origin: germline.
Comment: This sequence change replaces valine, which is neutral and non-polar, with aspartic acid, which is acidic and polar, at codon 1130 of the FANCI protein (p.Val1130Asp). This variant is present in population databases (rs764412863, gnomAD 0.006%). This variant has not been reported in the literature in individuals affected with FANCI-related conditions. ClinVar contains an entry for this variant (Variation ID: 238324). Advanced modeling of protein sequence and biophysical properties (such as structural, functional, and spatial information, amino acid conservation, physicochemical variation, residue mobility, and thermodynamic stability) performed at Invitae indicates that this missense variant is expected to disrupt FANCI protein function. In summary, the available evidence is currently insufficient to determine the role of this variant in disease. Therefore, it has been classified as a Variant of Uncertain Significance.